The following is an entry in ClinVar:

ClinVar aggregate classification (germline): Uncertain significance. Review status: criteria provided, multiple submitters, no conflicts (2 of 4 stars). 2 submissions from 2 submitters: Uncertain significance (2). Last evaluated 2025-05-15.

Conditions:
Hereditary cancer-predisposing syndrome. Also called: Hereditary Cancer Syndrome; Tumor predisposition; Hereditary neoplastic syndrome; Neoplastic Syndromes, Hereditary. Identifiers: Orphanet 140162, MedGen C0027672, MeSH D009386, MONDO:0015356.
Renal cell carcinoma. Identifiers: Orphanet 217071, MedGen C0007134, MeSH D002292, MONDO:0005086, HP:0005584.

Allele frequency attached by ClinVar (database versions not stated): gnomAD 0.00001.
gnomAD v4.1: 1 of 1,613,762 alleles (0.000062%); highest among the groups gnomAD compares: Admixed American, 0.0017%; no homozygotes.

Submissions (2):

Ambry Genetics
Classification: Uncertain significance for Hereditary cancer-predisposing syndrome. Last evaluated: 2025-05-15. Review status: criteria provided, single submitter. Criteria: Ambry Variant Classification Scheme 2023. Collection method: clinical testing. Allele origin: germline.
Comment: The p.K975R variant (also known as c.2924A>G), located in coding exon 12 of the MET gene, results from an A to G substitution at nucleotide position 2924. The lysine at codon 975 is replaced by arginine, an amino acid with highly similar properties. This amino acid position is conserved. In addition, this alteration is predicted to be tolerated by in silico analysis. Based on the available evidence, the clinical significance of this variant remains unclear.

Labcorp Genetics (formerly Invitae), Labcorp
Classification: Uncertain significance for Renal cell carcinoma. Last evaluated: 2024-05-23. Review status: criteria provided, single submitter. Criteria: Invitae Variant Classification Sherloc (09022015). Collection method: clinical testing. Allele origin: germline.
Comment: This sequence change replaces lysine, which is basic and polar, with arginine, which is basic and polar, at codon 975 of the MET protein (p.Lys975Arg). This variant is not present in population databases (gnomAD no frequency). This variant has not been reported in the literature in individuals affected with MET-related conditions. ClinVar contains an entry for this variant (Variation ID: 1055197). Advanced modeling of protein sequence and biophysical properties (such as structural, functional, and spatial information, amino acid conservation, physicochemical variation, residue mobility, and thermodynamic stability) performed at Invitae indicates that this missense variant is not expected to disrupt MET protein function with a negative predictive value of 80%. In summary, the available evidence is currently insufficient to determine the role of this variant in disease. Therefore, it has been classified as a Variant of Uncertain Significance.

NM_000245.4(MET):c.2870A>G (p.Lys957Arg)

Gene: MET (MET proto-oncogene, receptor tyrosine kinase; plus strand). Cytogenetic location: 7q31.2.
Variant type: single nucleotide variant.
Coding change: c.2870A>G on transcript NM_000245.4 (MANE Select); coding-DNA position 2870, A replaced by G.
Protein change: p.Lys957Arg; replaces lysine 957 with arginine.
Molecular consequence: missense variant.
Genome position (GRCh38, 1-based): chr7:116,771,637, A>G. VCF-style: chr7-116771637-A-G. GRCh37 (hg19) VCF-style: chr7-116411691-A-G.
Other names: c.2924A>G, p.Lys975Arg (NM_001127500.3); c.1580A>G, p.Lys527Arg (NM_001324402.2); c.2924A>G (NM_001127500.1); short protein forms K527R, K957R, K975R.
Identifiers: ClinVar variation 1055197 (VCV001055197.10), dbSNP rs1794836962, ClinGen allele CA368986750.